The following is an entry in ClinVar:

ClinVar aggregate classification (germline): Pathogenic/Likely pathogenic. Review status: criteria provided, multiple submitters, no conflicts (2 of 4 stars). 7 submissions from 7 submitters: Pathogenic (2); Likely pathogenic (4). 1 of the submissions does not count toward it. Last evaluated 2025-12-26.

Conditions:
Polycystic kidney disease 4 (PKD4). Also called: Autosomal Recessive Polycystic Kidney Disease – PKHD1; POLYCYSTIC KIDNEY AND HEPATIC DISEASE 1; POLYCYSTIC KIDNEY DISEASE, INFANTILE, TYPE I; PKD3; POLYCYSTIC KIDNEY DISEASE 4 WITH OR WITHOUT POLYCYSTIC LIVER DISEASE. Identifiers: MedGen C4540575, MONDO:0033004, OMIM 263200.
Autosomal recessive polycystic kidney disease (ARPKD). Also called: AR polycystic kidney disease. Identifiers: Orphanet 731, Orphanet 8378, MedGen C0085548, MeSH D017044, MONDO:0009889.

Allele frequency attached by ClinVar (database versions not stated): TOPMed 0.00002; 1000 Genomes Project 30x 0.00016.
gnomAD v4.1: 10 of 1,614,164 alleles (0.00062%); highest among the groups gnomAD compares: Non-Finnish European, 0.00085%; no homozygotes.

Submissions (7):

Labcorp Genetics (formerly Invitae), Labcorp
Classification: Pathogenic for Autosomal recessive polycystic kidney disease. Last evaluated: 2025-12-26. Review status: criteria provided, single submitter. Criteria: Invitae Variant Classification Sherloc (09022015). Collection method: clinical testing. Allele origin: germline.
Comment: This sequence change replaces glycine, which is neutral and non-polar, with glutamic acid, which is acidic and polar, at codon 466 of the PKHD1 protein (p.Gly466Glu). This variant is present in population databases (no rsID available, gnomAD 0.002%). This missense change has been observed in individual(s) with autosomal recessive polycystic kidney disease (PMID: 20413436, 27225849, 27752906). In at least one individual the data is consistent with being in trans (on the opposite chromosome) from a pathogenic variant. ClinVar contains an entry for this variant (Variation ID: 555789). Invitae Evidence Modeling of protein sequence and biophysical properties (such as structural, functional, and spatial information, amino acid conservation, physicochemical variation, residue mobility, and thermodynamic stability) has been performed for this missense variant. However, the output from this modeling did not meet the statistical confidence thresholds required to predict the impact of this variant on PKHD1 protein function. This variant disrupts the p.Gly466 amino acid residue in PKHD1. Other variant(s) that disrupt this residue have been observed in individuals with PKHD1-related conditions (PMID: 28933340, 29520754), which suggests that this may be a clinically significant amino acid residue. For these reasons, this variant has been classified as Pathogenic.

Natera, Inc.
Classification: Likely pathogenic for Autosomal recessive polycystic kidney disease. Last evaluated: 2025-09-30. Review status: criteria provided, single submitter. Criteria: Natera Variant Classification Schema (03/2026). Collection method: clinical testing. Allele origin: germline.
Comment: The c.1397G>A variant in PKHD1 is a missense variant predicted to cause substitution of glycine to glutamic acid at amino acid 466. This variant is rare in the general population with a frequency below the threshold expected for the associated phenotype(s). This variant has been observed in one or more individuals affected with the associated recessive disease, as either homozygous or compound heterozygous with a second variant (PMID: 19914852, 27225849, 27752906). Computational prediction algorithms indicate this variant is likely to affect gene or protein function. Given the available evidence, this variant is classified as Likely Pathogenic.

GeneDx
Classification: Likely pathogenic. Last evaluated: 2024-01-02. Review status: criteria provided, single submitter. Criteria: GeneDx Variant Classification Process June 2021. Collection method: clinical testing. Allele origin: germline.
Comment: Not observed at a significant frequency in large population cohorts (gnomAD); In silico analysis supports that this missense variant has a deleterious effect on protein structure/function; This variant is associated with the following publications: (PMID: 27752906, 27225849, 19914852, 20413436)

Department of Pathology and Laboratory Medicine, Sinai Health System
Classification: Likely pathogenic for Polycystic kidney disease 4. Last evaluated: 2023-08-08. Review status: criteria provided, single submitter. Criteria: ACMG Guidelines, 2015. Collection method: research. Allele origin: germline.

Fulgent Genetics
Classification: Pathogenic for Polycystic kidney disease 4. Last evaluated: 2022-04-14. Review status: criteria provided, single submitter. Criteria: ACMG Guidelines, 2015. Collection method: clinical testing. Allele origin: unknown.

Revvity Omics, Revvity
Classification: Likely pathogenic for Polycystic kidney disease 4. Last evaluated: 2021-02-10. Review status: criteria provided, single submitter. Criteria: ACMG Guidelines, 2015. Collection method: clinical testing. Allele origin: germline.

Counsyl
Classification: Likely pathogenic for Polycystic kidney disease 4. Last evaluated: 2017-12-21. Review status: no assertion criteria provided. Collection method: clinical testing. Allele origin: unknown. Not counted in ClinVar's aggregate classification.

Literature cited by the submitters: PubMed 20413436 (cited by Labcorp Genetics (formerly Invitae), Labcorp); PubMed 27225849 (cited by 3 submitters); PubMed 27752906 (cited by Labcorp Genetics (formerly Invitae), Labcorp and Natera, Inc.); PubMed 28933340 (cited by Labcorp Genetics (formerly Invitae), Labcorp); PubMed 29520754 (cited by Labcorp Genetics (formerly Invitae), Labcorp); PubMed 19914852 (cited by Natera, Inc. and Counsyl).

NM_138694.4(PKHD1):c.1397G>A (p.Gly466Glu)

Gene: PKHD1 (PKHD1 ciliary IPT domain containing fibrocystin/polyductin; minus strand). Cytogenetic location: 6p12.2.
Variant type: single nucleotide variant.
Coding change: c.1397G>A on transcript NM_138694.4 (MANE Select); coding-DNA position 1397, G replaced by A.
Protein change: p.Gly466Glu; replaces glycine 466 with glutamic acid.
Molecular consequence: missense variant.
Genome position (GRCh38, 1-based): chr6:52,058,438, C>T on the plus strand (G>A on the coding strand, the complement: PKHD1 is on the minus strand). VCF-style: chr6-52058438-C-T. GRCh37 (hg19) VCF-style: chr6-51923236-C-T.
Other names: c.1397G>A, p.Gly466Glu (NM_170724.3); short protein forms G466E.
Identifiers: ClinVar variation 555789 (VCV000555789.26), dbSNP rs750730042, ClinGen allele CA138916776.